The following is an entry in ClinVar:

ClinVar aggregate classification (germline): Uncertain significance (1 of 4 stars; one submission).

Submission:

Ambry Genetics
Classification: Uncertain significance. Last evaluated: 2025-03-26. Review status: criteria provided, single submitter. Criteria: Ambry Variant Classification Scheme 2023. Collection method: clinical testing. Allele origin: germline.
Comment: The p.R219S variant (also known as c.657A>C), located in coding exon 1 of the CDK12 gene, results from an A to C substitution at nucleotide position 657. The arginine at codon 219 is replaced by serine, an amino acid with dissimilar properties. This amino acid position is conserved. In addition, this alteration is predicted to be tolerated by in silico analysis. Based on the available evidence, the clinical significance of this variant remains unclear.

NM_016507.4(CDK12):c.657A>C (p.Arg219Ser)

Genes: CDK12 (cyclin dependent kinase 12; plus strand), LOC126862553 (CDK7 strongly-dependent group 2 enhancer GRCh37_chr17:37618166-37619365; plus strand). Cytogenetic location: 17q12.
Variant type: single nucleotide variant.
Coding change: c.657A>C on transcript NM_016507.4 (MANE Select); coding-DNA position 657, A replaced by C.
Protein change: p.Arg219Ser; replaces arginine 219 with serine.
Molecular consequence: missense variant.
Genome position (GRCh38, 1-based): chr17:39,462,728, A>C. VCF-style: chr17-39462728-A-C. GRCh37 (hg19) VCF-style: chr17-37618981-A-C.
Other names: c.657A>C, p.Arg219Ser (NM_015083.4); short protein forms R219S.
Identifiers: ClinVar variation 3999271 (VCV003999271.1).
Genomic context (GRCh38, chr17:39,462,728, plus strand): 5'-AAGTCATCGAAAAAGGGAAACACCCAAAAGTTACAAAACAGTGGACAGCCCAAAACGGAG[A>C]TCCAGGAGCCCCCACAGGAAGTGGTCTGACAGCTCCAAACAAGATGATAGCCCCTCGGGA-3'
Protein context (NP_057591.2, residues 209-229): SYKTVDSPKR[Arg219Ser]SRSPHRKWSD